The following is an entry in ClinVar:

NM_000531.6(OTC):c.1009G>T (p.Val337Phe)

Gene: OTC (ornithine transcarbamylase; plus strand). Cytogenetic location: Xp11.4.
Variant type: single nucleotide variant.
Coding change: c.1009G>T on transcript NM_000531.6 (MANE Select); coding-DNA position 1009, G replaced by T.
Protein change: p.Val337Phe; replaces valine 337 with phenylalanine.
Molecular consequence: missense variant.
Genome position (GRCh38, 1-based): chrX:38,421,026, G>T. VCF-style: chrX-38421026-G-T. GRCh37 (hg19) VCF-style: chrX-38280279-G-T.
Other names: short protein forms V337F.
Identifiers: ClinVar variation 870332 (VCV000870332.3), dbSNP rs72558487, ClinGen allele CA412728014.
Genomic context (GRCh38, chrX:38,421,026, plus strand): 5'-CTAAGCAGACTGTCGCTAATGTTTATCCATTTCTTTCTTTCTTTGTTGTGTCATCAGGCT[G>T]TCATGGTGTCCCTGCTGACAGATTACTCACCTCAGCTCCAGAAGCCTAAATTTTGATGTT-3'
Protein context (NP_000522.3, residues 327-347): AENRKWTIMA[Val337Phe]MVSLLTDYSP

ClinVar aggregate classification (germline): Uncertain significance. Review status: criteria provided, single submitter (1 of 4 stars). 2 submissions from 2 submitters: Uncertain significance (1). 1 of the submissions does not count toward it.

Conditions:
Ornithine carbamoyltransferase deficiency (OTCD). Also called: OTC DEFICIENCY; Ornithine Carbamoyltransferase Deficiency Disease; ORNITHINE TRANSCARBAMYLASE DEFICIENCY; ORNITHINE TRANSCARBAMYLASE DEFICIENCY, HYPERAMMONEMIA DUE TO. Identifiers: Orphanet 664, MedGen C0268542, MONDO:0010703, OMIM 311250.

Submissions (2):

Neuberg Centre For Genomic Medicine, NCGM
Classification: Uncertain significance for Ornithine carbamoyltransferase deficiency. Review status: criteria provided, single submitter. Criteria: ACMG Guidelines, 2015. Collection method: clinical testing. Allele origin: germline. Inheritance: X-linked inheritance. Affected: yes.
Comment: The missense variant in c.1009G>T(p.Val337Phe) in OTC gene has been submitted to ClinVar as Pathogenic, but no details are available for independent assessment. It has not been reported in affected individuals. The p.Val337Phe variant is novel (not in any individuals) in gnomAD Exomes and 1000 Genomes. The variant is predicted to be damaging by both SIFT and PolyPhen2. The amino acid Val at position 337 is changed to a Phe changing protein sequence and it might alter its composition and physico-chemical properties. The residue is conserved across species. The amino acid change p.Val337Phe in OTC is predicted as conserved by GERP++ and PhyloP across 100 vertebrates. For these reasons, this variant has been classified as Uncertain Significance.

Molecular Genetics laboratory, Necker Hospital
Classification: Pathogenic for Ornithine carbamoyltransferase deficiency. Review status: no assertion criteria provided. Collection method: clinical testing. Allele origin: maternal. Inheritance: X-linked inheritance. Affected: yes. Not counted in ClinVar's aggregate classification.